The following is an entry in ClinVar:

NM_020717.5(SHROOM4):c.3626C>T (p.Ala1209Val)

Gene: SHROOM4 (shroom family member 4; minus strand). Cytogenetic location: Xp11.22.
Variant type: single nucleotide variant.
Coding change: c.3626C>T on transcript NM_020717.5 (MANE Select); coding-DNA position 3626, C replaced by T.
Protein change: p.Ala1209Val; replaces alanine 1209 with valine.
Molecular consequence: missense variant. On other transcripts: non-coding transcript variant (4).
Genome position (GRCh38, 1-based): chrX:50,607,516, G>A on the plus strand (C>T on the coding strand, the complement: SHROOM4 is on the minus strand). VCF-style: chrX-50607516-G-A. GRCh37 (hg19) VCF-style: chrX-50350516-G-A.
Other names: c.3626C>T (NM_020717.3); short protein forms A1209V.
Identifiers: ClinVar variation 810601 (VCV000810601.43), dbSNP rs782400213, ClinGen allele CA10415935.
Genomic context (GRCh38, chrX:50,607,516, plus strand): 5'-TGCTCAGGTTGAGATCCCAAGTGACCCCTTATTGGAGGCAAGAAATCACTGGAATGGAGT[G>A]CAAAGGATTCTTGCTCTGCTGGGACACTTTGTGAACCCTGTCTCGAGCCCTCCAGGTGGC-3'
Protein context (NP_065768.2, residues 1199-1219): QSVPAEQESF[Ala1209Val]LHSSDFLPPI

ClinVar aggregate classification (germline): Uncertain significance. Review status: criteria provided, single submitter (1 of 4 stars). 2 submissions from 2 submitters: Uncertain significance (1). 1 of the submissions does not count toward it. Last evaluated 2018-10-01.

Conditions:
SHROOM4-related disorder. Also called: SHROOM4-related condition.

Allele frequency attached by ClinVar (database versions not stated): ExAC 0.00002; gnomAD 0.00002 and 0.00003; TOPMed 0.00002; gnomAD exomes 0.00003 and 0.00005.
gnomAD v4.1: 44 of 1,209,403 alleles (0.0036%); highest among the groups gnomAD compares: East Asian, 0.0089%; no homozygotes.

Submissions (2):

CeGaT Center for Human Genetics Tuebingen
Classification: Uncertain significance. Last evaluated: 2018-10-01. Review status: criteria provided, single submitter. Criteria: CeGaT Center For Human Genetics Tuebingen Variant Classification Criteria Version 2. Collection method: clinical testing. Allele origin: germline. Affected: yes. Observed: 1 variant allele.

PreventionGenetics, part of Exact Sciences
Classification: Likely benign for SHROOM4-related condition. Last evaluated: 2022-02-22. Review status: no assertion criteria provided. Collection method: clinical testing. Allele origin: germline. Not counted in ClinVar's aggregate classification.
Comment: This variant is classified as likely benign based on ACMG/AMP sequence variant interpretation guidelines (Richards et al. 2015 PMID: 25741868, with internal and published modifications).